The following is an entry in ClinVar:

ClinVar aggregate classification (germline): Uncertain significance (1 of 4 stars; one submission).

Conditions:
Hereditary cancer-predisposing syndrome. Also called: Tumor predisposition; Hereditary neoplastic syndrome; Hereditary Cancer Syndrome; Neoplastic Syndromes, Hereditary. Identifiers: Orphanet 140162, MedGen C0027672, MeSH D009386, MONDO:0015356.

Submission:

Ambry Genetics
Classification: Uncertain significance for Hereditary cancer-predisposing syndrome. Last evaluated: 2024-01-31. Review status: criteria provided, single submitter. Criteria: Ambry Variant Classification Scheme 2023. Collection method: clinical testing. Allele origin: germline.
Comment: The c.2472_2480delCTTGATGAA variant (also known as p.L825_N827del) is located in coding exon 17 of the CTNNA1 gene. This variant results from an in-frame CTTGATGAA deletion at nucleotide positions 2472 to 2480. This results in the in-frame deletion of amino acids (LMN) at codon 825 to 827. This amino acid region is highly conserved in available vertebrate species. In addition, this alteration is predicted to be deleterious by in silico analysis (Choi Y et al. PLoS ONE. 2012; 7(10):e46688). The evidence for this gene-disease relationship is limited; therefore, the clinical significance of this alteration is unclear.

NM_001903.5(CTNNA1):c.2472_2480del (p.Leu825_Asn827del)

Gene: CTNNA1 (catenin alpha 1; plus strand). Cytogenetic location: 5q31.2.
Variant type: Deletion.
Coding change: c.2472_2480del on transcript NM_001903.5 (MANE Select); coding-DNA positions 2472 to 2480, 9 bases deleted (CTTGATGAA; older notation c.2472_2480delCTTGATGAA).
Protein change: p.Leu825_Asn827del.
Molecular consequence: inframe deletion. On other transcripts: 3 prime UTR variant (5).
Genome position (GRCh38, 1-based): chr5:138,933,840-138,933,848, CTTGATGAA deleted; deleting any 9 consecutive bases within chr5:138,933,837-138,933,848 gives the same sequence; the c. name uses the placement nearest the transcript's 3' end. VCF-style (leftmost placement, unchanged base first): chr5-138933836-AGAACTTGAT-A. GRCh37 (hg19) VCF-style: chr5-138269525-AGAACTTGAT-A.
Other names: c.*17_*25del (NM_001290307.3, NM_001324002.1, NM_001324003.1 and 2 more transcripts); c.2163_2171del, p.Leu722_Asn724del (NM_001290309.3); c.2103_2111del, p.Leu702_Asn704del (NM_001290310.3); c.1362_1370del, p.Leu455_Asn457del (NM_001290312.1, NM_001323987.1, NM_001323988.1 and 12 more transcripts); c.2472_2480del, p.Leu825_Asn827del (NM_001323982.2, NM_001323983.1, NM_001323984.2); c.2445_2453del, p.Leu816_Asn818del (NM_001323985.2); c.2379_2387del, p.Leu794_Asn796del (NM_001323986.2); c.1227_1235del, p.Leu410_Asn412del (NM_001324001.1); and 3 more.
Identifiers: ClinVar variation 3221903 (VCV003221903.1), dbSNP rs2533948555, ClinGen allele CA2825001398.